The following is an entry in ClinVar:

ClinVar aggregate classification (germline): Pathogenic (1 of 4 stars; one submission).

Submission:

GeneDx
Classification: Pathogenic. Last evaluated: 2025-05-20. Review status: criteria provided, single submitter. Criteria: GeneDx Variant Classification Process June 2021. Collection method: clinical testing. Allele origin: germline. Affected: yes.
Comment: In-frame deletion of 1 amino acid in a non-repeat region; In silico analysis supports a deleterious effect on protein structure/function; Not observed at significant frequency in large population cohorts (gnomAD); Has not been previously published as pathogenic or benign to our knowledge

NM_198880.3(QRICH1):c.1551CTC[1] (p.Ser519del)

Gene: QRICH1 (glutamine rich 1; minus strand). Cytogenetic location: 3p21.31.
Variant type: Microsatellite.
Coding change: c.1551CTC[1] on transcript NM_198880.3 (MANE Select); one copy of the 3-base unit CTC starting at c.1551; the reference has two copies in a row; one copy, 3 bases deleted.
Protein change: p.Ser519del; deletes serine 519.
Genome position (GRCh38, 1-based): chr3:49,046,540-49,046,542, GAG deleted on the plus strand (CTC on the coding strand, the reverse complement: QRICH1 is on the minus strand); deleting any 3 consecutive bases within chr3:49,046,540-49,046,545 gives the same sequence; the position shown is the placement nearest the transcript's 3' end. VCF-style (leftmost placement, unchanged base first): chr3-49046539-AGAG-A. GRCh37 (hg19) VCF-style: chr3-49083972-AGAG-A.
Other names: c.1551CTC[1], p.Ser519del (NM_001320581.2, NM_001320582.2, NM_001320583.2 and 4 more transcripts); short protein forms S519del.
Identifiers: ClinVar variation 4530829 (VCV004530829.1).